The following is an entry in ClinVar:

NM_000360.4(TH):c.398G>A (p.Arg133His)

Gene: TH (tyrosine hydroxylase; minus strand). Cytogenetic location: 11p15.5.
Variant type: single nucleotide variant.
Coding change: c.398G>A on transcript NM_000360.4 (MANE Select); coding-DNA position 398, G replaced by A.
Protein change: p.Arg133His; replaces arginine 133 with histidine.
Molecular consequence: missense variant.
Genome position (GRCh38, 1-based): chr11:2,168,580, C>T on the plus strand (G>A on the coding strand, the complement: TH is on the minus strand). VCF-style: chr11-2168580-C-T. GRCh37 (hg19) VCF-style: chr11-2189810-C-T.
Other names: c.491G>A, p.Arg164His (NM_199292.3); c.479G>A, p.Arg160His (NM_199293.3); short protein forms R164H, R133H, R160H.
Identifiers: ClinVar variation 304079 (VCV000304079.55), dbSNP rs376881948, ClinGen allele CA5818680.

ClinVar aggregate classification (germline): Uncertain significance. Review status: criteria provided, multiple submitters, no conflicts (2 of 4 stars). 7 submissions from 7 submitters: Uncertain significance (7). Last evaluated 2026-03-30.

Conditions:
TH-deficient dopa-responsive dystonia. Also called: Tyrosine Hydroxylase-Deficient Dopa-Responsive Dystonia; Segawa syndrome, autosomal recessive; DYT-TH. Identifiers: Orphanet 101150, MedGen C2673535, MONDO:0011551, OMIM 605407.

Allele frequency attached by ClinVar (database versions not stated): ESP Exome Variant Server 0.00008; gnomAD 0.00005; TOPMed 0.00005.
gnomAD v4.1: 111 of 1,611,722 alleles (0.0069%); highest among the groups gnomAD compares: Middle Eastern, 0.017%; no homozygotes.

Submissions (7):

Myriad Genetics, Inc.
Classification: Uncertain significance for TH-deficient dopa-responsive dystonia. Last evaluated: 2026-03-30. Review status: criteria provided, single submitter. Criteria: Myriad Autosomal Dominant, Autosomal Recessive and X-Linked Classification Criteria (2023). Collection method: clinical testing. Allele origin: unknown.
Comment: NM_199292.2(TH):c.491G>A(R164H) is a missense variant classified as a variant of uncertain significance in the context of tyrosine hydroxylase deficiency. R164H has not been observed in cases with relevant disease. Relevant functional assessments of this variant are not available in the literature. R164H has been observed in referenced population frequency databases. In summary, there is insufficient evidence to classify NM_199292.2(TH):c.491G>A(R164H) as pathogenic or benign. Please note: this variant was assessed in the context of healthy population screening.

Labcorp Genetics (formerly Invitae), Labcorp
Classification: Uncertain significance for TH-deficient dopa-responsive dystonia. Last evaluated: 2022-09-13. Review status: criteria provided, single submitter. Criteria: Invitae Variant Classification Sherloc (09022015). Collection method: clinical testing. Allele origin: germline.
Comment: This sequence change replaces arginine, which is basic and polar, with histidine, which is basic and polar, at codon 164 of the TH protein (p.Arg164His). This variant is present in population databases (rs376881948, gnomAD 0.01%). This variant has not been reported in the literature in individuals affected with TH-related conditions. ClinVar contains an entry for this variant (Variation ID: 304079). Advanced modeling of protein sequence and biophysical properties (such as structural, functional, and spatial information, amino acid conservation, physicochemical variation, residue mobility, and thermodynamic stability) has been performed at Invitae for this missense variant, however the output from this modeling did not meet the statistical confidence thresholds required to predict the impact of this variant on TH protein function. In summary, the available evidence is currently insufficient to determine the role of this variant in disease. Therefore, it has been classified as a Variant of Uncertain Significance.

GeneDx
Classification: Uncertain significance. Last evaluated: 2022-02-17. Review status: criteria provided, single submitter. Criteria: GeneDx Variant Classification Process June 2021. Collection method: clinical testing. Allele origin: germline. Affected: yes.
Comment: In silico analysis supports that this missense variant has a deleterious effect on protein structure/function; Has not been previously published as pathogenic or benign to our knowledge

Fulgent Genetics
Classification: Uncertain significance for TH-deficient dopa-responsive dystonia. Last evaluated: 2021-10-08. Review status: criteria provided, single submitter. Criteria: ACMG Guidelines, 2015. Collection method: clinical testing. Allele origin: unknown.

Illumina Laboratory Services, Illumina
Classification: Uncertain significance for TH-deficient dopa-responsive dystonia. Last evaluated: 2018-01-12. Review status: criteria provided, single submitter. Criteria: ICSL Variant Classification Criteria 13 December 2019. Collection method: clinical testing. Allele origin: germline.

CeGaT Center for Human Genetics Tuebingen
Classification: Uncertain significance. Last evaluated: 2017-01-01. Review status: criteria provided, single submitter. Criteria: CeGaT Center For Human Genetics Tuebingen Variant Classification Criteria Version 2. Collection method: clinical testing. Allele origin: germline. Affected: yes. Observed: 1 variant allele.

Eurofins Ntd Llc (ga)
Classification: Uncertain significance. Last evaluated: 2016-10-19. Review status: criteria provided, single submitter. Criteria: EGL Classification Definitions 2015. Collection method: clinical testing. Allele origin: germline. Observed: 1 variant allele, 1 heterozygote.